The following is an entry in ClinVar:

NM_001114753.3(ENG):c.974T>A (p.Leu325His)

Gene: ENG (endoglin; minus strand). Cytogenetic location: 9q34.11.
Variant type: single nucleotide variant.
Coding change: c.974T>A on transcript NM_001114753.3 (MANE Select); coding-DNA position 974, T replaced by A.
Protein change: p.Leu325His; replaces leucine 325 with histidine.
Molecular consequence: missense variant.
Genome position (GRCh38, 1-based): chr9:127,824,817, A>T on the plus strand (T>A on the coding strand, the complement: ENG is on the minus strand). VCF-style: chr9-127824817-A-T. GRCh37 (hg19) VCF-style: chr9-130587096-A-T.
Other names: c.974T>A, p.Leu325His (NM_000118.4, NM_001406715.1); c.428T>A, p.Leu143His (NM_001278138.2); c.974T>A (NM_001114753.1, NM_000118.2); short protein forms L143H, L325H.
Identifiers: ClinVar variation 1981793 (VCV001981793.6), dbSNP rs760001916, ClinGen allele CA5252931.

ClinVar aggregate classification (germline): Conflicting classifications of pathogenicity. Review status: criteria provided, conflicting classifications (1 of 4 stars). 3 submissions from 3 submitters: Uncertain significance (1); Likely benign (2). Last evaluated 2025-12-28.

Conditions:
Hereditary hemorrhagic telangiectasia (HHT). Also called: ORW DISEASE; Osler Weber Rendu syndrome; OSLER-RENDU-WEBER DISEASE; Osler hemorrhagic telangiectasia syndrome. Identifiers: Orphanet 774, MedGen C0039445, MONDO:0019180. Disease mechanism: loss of function.
Cardiovascular phenotype. Identifiers: MedGen CN230736.

Allele frequency attached by ClinVar (database versions not stated): gnomAD 0.00001; gnomAD exomes 0.00005; ExAC 0.00011.
gnomAD v4.1: 66 of 1,578,244 alleles (0.0042%); highest among the groups gnomAD compares: South Asian, 0.077%; no homozygotes.

Submissions (3):

Ambry Genetics
Classification: Likely benign for Cardiovascular phenotype. Last evaluated: 2025-12-28. Review status: criteria provided, single submitter. Criteria: Ambry Variant Classification Scheme 2023. Collection method: clinical testing. Allele origin: germline.

Labcorp Genetics (formerly Invitae), Labcorp
Classification: Likely benign for Hereditary hemorrhagic telangiectasia. Last evaluated: 2025-07-21. Review status: criteria provided, single submitter. Criteria: Invitae Variant Classification Sherloc (09022015). Collection method: clinical testing. Allele origin: germline.

GeneDx
Classification: Uncertain significance. Last evaluated: 2025-07-16. Review status: criteria provided, single submitter. Criteria: GeneDx Variant Classification Process June 2021. Collection method: clinical testing. Allele origin: germline. Affected: yes.
Comment: In silico analysis supports that this missense variant has a deleterious effect on protein structure/function; Has not been previously published as pathogenic or benign to our knowledge